The following is an entry in ClinVar:

ClinVar aggregate classification (germline): Uncertain significance (1 of 4 stars; one submission).

Conditions:
Ciliary dyskinesia, primary, 37 (CILD37). Also called: CILIARY DYSKINESIA, PRIMARY, 37, WITH OR WITHOUT SITUS INVERSUS. Identifiers: MedGen C4539798, MONDO:0033204, OMIM 617577.
Spermatogenic failure 18. Identifiers: MedGen C4539783, MONDO:0054615, OMIM 617576.

Allele frequency attached by ClinVar (database versions not stated): gnomAD exomes 0.00001 and 0.00004; gnomAD 0.00002; ExAC 0.00011; 1000 Genomes Project 30x 0.00031; 1000 Genomes Project 0.00040.
gnomAD v4.1: 23 of 1,611,090 alleles (0.0014%); highest among the groups gnomAD compares: South Asian, 0.021%; no homozygotes.

Submission:

Labcorp Genetics (formerly Invitae), Labcorp
Classification: Uncertain significance for Ciliary dyskinesia, primary, 37; Spermatogenic failure 18. Last evaluated: 2022-06-27. Review status: criteria provided, single submitter. Criteria: Invitae Variant Classification Sherloc (09022015). Collection method: clinical testing. Allele origin: germline.
Comment: In summary, the available evidence is currently insufficient to determine the role of this variant in disease. Therefore, it has been classified as a Variant of Uncertain Significance. Algorithms developed to predict the effect of missense changes on protein structure and function are either unavailable or do not agree on the potential impact of this missense change (SIFT: "Deleterious"; PolyPhen-2: "Possibly Damaging"; Align-GVGD: "Class C0"). This variant has not been reported in the literature in individuals affected with DNAH1-related conditions. This variant is present in population databases (rs553174635, gnomAD 0.03%). This sequence change replaces leucine, which is neutral and non-polar, with phenylalanine, which is neutral and non-polar, at codon 2758 of the DNAH1 protein (p.Leu2758Phe).

NM_015512.5(DNAH1):c.8272C>T (p.Leu2758Phe)

Gene: DNAH1 (dynein axonemal heavy chain 1; plus strand). Cytogenetic location: 3p21.1.
Variant type: single nucleotide variant.
Coding change: c.8272C>T on transcript NM_015512.5 (MANE Select); coding-DNA position 8272, C replaced by T.
Protein change: p.Leu2758Phe; replaces leucine 2758 with phenylalanine.
Molecular consequence: missense variant.
Genome position (GRCh38, 1-based): chr3:52,383,981, C>T. VCF-style: chr3-52383981-C-T. GRCh37 (hg19) VCF-style: chr3-52417997-C-T.
Other names: short protein forms L2758F.
Identifiers: ClinVar variation 1414634 (VCV001414634.8), dbSNP rs553174635, ClinGen allele CA2435157.